The following is an entry in ClinVar:

ClinVar aggregate classification (germline): Uncertain significance (1 of 4 stars; one submission).

Submission:

CeGaT Center for Human Genetics Tuebingen
Classification: Uncertain significance. Last evaluated: 2025-09-01. Review status: criteria provided, single submitter. Criteria: CeGaT Center For Human Genetics Tuebingen Variant Classification Criteria Version 2. Collection method: clinical testing. Allele origin: germline. Affected: yes. Observed: 1 variant allele.
Comment: BCL11A: PM2

NM_022893.4(BCL11A):c.430C>G (p.His144Asp)

Gene: BCL11A (BCL11 transcription factor A; minus strand). Cytogenetic location: 2p16.1.
Variant type: single nucleotide variant.
Coding change: c.430C>G on transcript NM_022893.4 (MANE Select); coding-DNA position 430, C replaced by G.
Protein change: p.His144Asp; replaces histidine 144 with aspartic acid.
Molecular consequence: missense variant. On other transcripts: intron variant (10), 5 prime UTR variant (5), non-coding transcript variant (1).
Genome position (GRCh38, 1-based): chr2:60,468,789, G>C on the plus strand (C>G on the coding strand, the complement: BCL11A is on the minus strand). VCF-style: chr2-60468789-G-C. GRCh37 (hg19) VCF-style: chr2-60695924-G-C.
Other names: c.230-6365C>G (NM_001405718.1, NM_001405717.1, NM_001405736.1 and 1 more transcripts); c.386-6365C>G (NM_001405711.1, NM_001365609.1, NM_001363864.1 and 3 more transcripts); c.430C>G, p.His144Asp (NM_001405708.1, NM_001405709.1, NM_001405710.1 and 4 more transcripts); c.274C>G, p.His92Asp (NM_001405713.1, NM_001405714.1, NM_001405715.1 and 6 more transcripts); c.97C>G, p.His33Asp (NM_001405720.1, NM_001405721.1); c.-27C>G (NM_001405725.1, NM_001405726.1, NM_001405727.1 and 2 more transcripts); short protein forms H144D, H33D, H92D.
Identifiers: ClinVar variation 4281351 (VCV004281351.7).